The following is an entry in ClinVar:

NM_138694.4(PKHD1):c.1123C>T (p.Arg375Trp)

Gene: PKHD1 (PKHD1 ciliary IPT domain containing fibrocystin/polyductin; minus strand). Cytogenetic location: 6p12.2.
Variant type: single nucleotide variant.
Coding change: c.1123C>T on transcript NM_138694.4 (MANE Select); coding-DNA position 1123, C replaced by T.
Protein change: p.Arg375Trp; replaces arginine 375 with tryptophan.
Molecular consequence: missense variant.
Genome position (GRCh38, 1-based): chr6:52,060,038, G>A on the plus strand (C>T on the coding strand, the complement: PKHD1 is on the minus strand). VCF-style: chr6-52060038-G-A. GRCh37 (hg19) VCF-style: chr6-51924836-G-A.
Other names: p.Arg375Trp; c.1123C>T, p.Arg375Trp (NM_170724.3); c.1123C>T (NM_170724.2); short protein forms R375W.
Identifiers: ClinVar variation 528296 (VCV000528296.28), dbSNP rs376040501, ClinGen allele CA3853636.
Genomic context (GRCh38, chr6:52,060,038, plus strand): 5'-CTGCCTGAATCCAGAAAGTGTAATTATTTGTCTCTGGAGCCACAAAGAACCCACTGAGCC[G>A]TGCTCTGTAAAGTAGAACATAGAGTCAAGCAAGAGTAACCAAGGCCTGAATCACTGAACC-3'
Protein context (NP_619639.3, residues 365-385): WSQEGQPFRA[Arg375Trp]LSGFFVAPET

ClinVar aggregate classification (germline): Pathogenic/Likely pathogenic. Review status: criteria provided, multiple submitters, no conflicts (2 of 4 stars). 15 submissions from 15 submitters: Pathogenic (3); Likely pathogenic (8). 4 of the submissions do not count toward it. Last evaluated 2025-12-26.

Conditions:
Polycystic kidney disease 4 (PKD4). Also called: Autosomal Recessive Polycystic Kidney Disease – PKHD1; POLYCYSTIC KIDNEY AND HEPATIC DISEASE 1; POLYCYSTIC KIDNEY DISEASE, INFANTILE, TYPE I; POLYCYSTIC KIDNEY DISEASE 4 WITH OR WITHOUT POLYCYSTIC LIVER DISEASE; PKD3. Identifiers: MedGen C4540575, MONDO:0033004, OMIM 263200.
Autosomal recessive polycystic kidney disease (ARPKD). Also called: AR polycystic kidney disease. Identifiers: Orphanet 731, Orphanet 8378, MedGen C0085548, MeSH D017044, MONDO:0009889.
PKHD1-related disorder. Also called: PKHD1-related condition.

Allele frequency attached by ClinVar (database versions not stated): ExAC 0.00002; gnomAD exomes 0.00002 and 0.00003; TOPMed 0.00002; gnomAD 0.00003; ESP Exome Variant Server 0.00008.
gnomAD v4.1: 41 of 1,583,548 alleles (0.0026%); highest among the groups gnomAD compares: Middle Eastern, 0.017%; no homozygotes.

Submissions (15):

Labcorp Genetics (formerly Invitae), Labcorp
Classification: Pathogenic for Autosomal recessive polycystic kidney disease. Last evaluated: 2025-12-26. Review status: criteria provided, single submitter. Criteria: Invitae Variant Classification Sherloc (09022015). Collection method: clinical testing. Allele origin: germline.
Comment: This sequence change replaces arginine, which is basic and polar, with tryptophan, which is neutral and slightly polar, at codon 375 of the PKHD1 protein (p.Arg375Trp). This variant is present in population databases (rs376040501, gnomAD 0.01%). This missense change has been observed in individual(s) with autosomal recessive polycystic kidney disease (PMID: 16133180, 19940839, 27225849; internal data). In at least one individual the data is consistent with being in trans (on the opposite chromosome) from a pathogenic variant. ClinVar contains an entry for this variant (Variation ID: 528296). Invitae Evidence Modeling of protein sequence and biophysical properties (such as structural, functional, and spatial information, amino acid conservation, physicochemical variation, residue mobility, and thermodynamic stability) indicates that this missense variant is expected to disrupt PKHD1 protein function with a positive predictive value of 95%. Algorithms developed to predict the effect of sequence changes on RNA splicing suggest that this variant may disrupt the consensus splice site. For these reasons, this variant has been classified as Pathogenic.

Natera, Inc.
Classification: Pathogenic for Autosomal recessive polycystic kidney disease. Last evaluated: 2025-12-01. Review status: criteria provided, single submitter. Criteria: Natera Variant Classification Schema (03/2026). Collection method: clinical testing. Allele origin: germline.
Comment: The c.1123C>T variant in PKHD1 is a missense variant predicted to cause substitution of arginine to tryptophan at amino acid 375. This variant is rare in the general population with a frequency below the threshold expected for the associated phenotype(s). This variant has been observed in one or more individuals affected with the associated recessive disease, as either homozygous or compound heterozygous with a second variant (PMID: 31730820, 33123899, 27225849). Computational prediction algorithms indicate this variant is likely to affect gene or protein function. Given the available evidence, this variant is classified as Pathogenic.

Genesolutions, Medical Genetics Institutes, Ho Chi Minh City, Vietnam
Classification: Likely pathogenic for Polycystic kidney disease 4. Last evaluated: 2025-09-24. Review status: criteria provided, single submitter. Criteria: ACMG Guidelines, 2015. Collection method: clinical testing. Allele origin: germline. Affected: yes.

3billion
Classification: Pathogenic for Polycystic kidney disease 4. Last evaluated: 2024-02-18. Review status: criteria provided, single submitter. Criteria: ACMG Guidelines, 2015. Collection method: clinical testing. Allele origin: germline. Affected: yes.
Comment: The variant is observed at an extremely low frequency in the gnomAD v2.1.1 dataset (total allele frequency: 0.002%). Predicted Consequence/Location: The majority of the known disease-causing variants of this gene are variants expected to result in premature termination of the protein. In silico tool predictions suggest damaging effect of the variant on gene or gene product [REVEL: 0.66 (>=0.6, sensitivity 0.68 and specificity 0.92); 3Cnet: 0.80 (>=0.6, sensitivity 0.72 and precision 0.9)]. Same nucleotide change resulting in same amino acid change has been previously reported as pathogenic/likely pathogenic with strong evidence (ClinVar ID: VCV000528296 /PMID: 16133180 /3billion dataset). The variant has been reported to be in trans with a pathogenic variant as either compound heterozygous or homozygous in at least one similarly affected unrelated individual (PMID: 27225849). A different missense change at the same codon (p.Arg375Gln) has been reported to be associated with PKHD1 related disorder (PMID: 35778421). Therefore, this variant is classified as Pathogenic according to the recommendation of ACMG/AMP guideline.

Laboratory of Medical Genetics, National & Kapodistrian University of Athens
Classification: Likely pathogenic for Polycystic kidney disease 4. Last evaluated: 2024-02-01. Review status: criteria provided, single submitter. Criteria: ACMG Guidelines, 2015. Collection method: curation. Allele origin: germline. Affected: no.

GeneDx
Classification: Likely pathogenic. Last evaluated: 2023-04-07. Review status: criteria provided, single submitter. Criteria: GeneDx Variant Classification Process June 2021. Collection method: clinical testing. Allele origin: germline. Affected: yes.
Comment: In silico analysis supports that this missense variant has a deleterious effect on protein structure/function; This variant is associated with the following publications: (PMID: 30586318, 19940839, 31730820, 27225849, 16133180, 33123899)

Mayo Clinic Laboratories, Mayo Clinic
Classification: Likely pathogenic. Last evaluated: 2022-05-10. Review status: criteria provided, single submitter. Criteria: ACMG Guidelines, 2015. Collection method: clinical testing. Allele origin: germline. Observed: 1 variant allele.
Comment: PP4, PM2, PM3_strong, PS4_moderate

Revvity Omics, Revvity
Classification: Likely pathogenic for Polycystic kidney disease 4. Last evaluated: 2020-05-04. Review status: criteria provided, single submitter. Criteria: ACMG Guidelines, 2015. Collection method: clinical testing. Allele origin: germline.

Division Of Personalized Genomic Medicine, Columbia University Irving Medical Center
Classification: Likely pathogenic for Polycystic kidney disease 4. Last evaluated: 2020-02-24. Review status: criteria provided, single submitter. Criteria: ACMG Guidelines, 2015. Collection method: clinical testing. Allele origin: germline. Inheritance: Autosomal recessive inheritance. Observed: 1 compound heterozygote.
Comment: The c.1123C>T variant is a heterozygous single base pair substitution at nucleotide 1123 in exon 15 of 67 of the PKHD1 gene, resulting in the substitution of a well-conserved, positively charged, Arginine residue at amino acid position 375 to a non-polar Tryptophan residue. The c.1123C>T variant is observed in the Genome Aggregation Database (gnomAD) in heterozygous but not homozygous form indicating it is not a common benign variant in the populations represented in this database. This variant has been observed in trans with a pathogenic variant in individuals with AR Polycystic Kidney Disease (PMID: 16133180, 30595564, 27225849). This variant is classified as likely pathogenic.

Baylor Genetics
Classification: Likely pathogenic for Polycystic kidney disease 4. Review status: criteria provided, single submitter. Criteria: ACMG Guidelines, 2015. Collection method: clinical testing. Allele origin: germline.

Juno Genomics, Hangzhou Juno Genomics, Inc
Classification: Likely pathogenic for Polycystic kidney disease 4. Review status: criteria provided, single submitter. Criteria: ACMG Guidelines, 2015. Collection method: clinical testing. Allele origin: germline.
Comment: Absent from controls (or at extremely low frequency if recessive) in Genome Aggregation Database.;For recessive disorders, detected in trans with a pathogenic variant.;Multiple lines of computational evidence support a deleterious effect on the gene or gene product.

PreventionGenetics, part of Exact Sciences
Classification: Pathogenic for PKHD1-related condition. Last evaluated: 2024-08-06. Review status: no assertion criteria provided. Collection method: clinical testing. Allele origin: germline. Not counted in ClinVar's aggregate classification.
Comment: The PKHD1 c.1123C>T variant is predicted to result in the amino acid substitution p.Arg375Trp. This variant has been repeatedly reported to be pathogenic for autosomal recessive polycystic kidney disease (ARPKD) (see for example at Losekoot et al. 2005. PubMed ID:16133180; Denamur et al. 2010. PubMed ID: 19940839; Liang et al. 2019. PubMed ID: 31730820). This variant is reported in 0.016% of alleles in individuals of East Asian descent in gnomAD. This variant is interpreted as pathogenic.

Gharavi Laboratory, Columbia University
Classification: Likely pathogenic. Last evaluated: 2018-09-16. Review status: no assertion criteria provided. Criteria: ACMG Guidelines, 2015. Collection method: research. Allele origin: germline. Affected: yes. Not counted in ClinVar's aggregate classification.

Genomics And Bioinformatics Analysis Resource, Columbia University
Classification: Likely pathogenic for Polycystic kidney disease 4. Review status: no assertion criteria provided. Collection method: research. Allele origin: unknown. Affected: yes. Not counted in ClinVar's aggregate classification.
Comment: Compound Heterozygous

Department of Pathology and Laboratory Medicine, Sinai Health System
Classification: Uncertain significance for Polycystic kidney disease 4. Last evaluated: 2018-10-16. Review status: flagged submission. Criteria: ACMG Guidelines, 2015. Collection method: clinical testing. Allele origin: germline. Affected: yes. Not counted in ClinVar's aggregate classification.
ClinVar note: Reason: Older and outlier claim with insufficient supporting evidence

Literature cited by the submitters: PubMed 16133180 (cited by 5 submitters); PubMed 19940839 (cited by 3 submitters); PubMed 27225849 (cited by 6 submitters); PubMed 31730820 (cited by Natera, Inc. and Mayo Clinic Laboratories, Mayo Clinic); PubMed 33123899 (cited by Natera, Inc.); PubMed 35778421 (cited by 3billion); PubMed 30595564 (cited by Mayo Clinic Laboratories, Mayo Clinic and Division Of Personalized Genomic Medicine, Columbia University Irving Medical Center); PubMed 32203225 (cited by Mayo Clinic Laboratories, Mayo Clinic).